The following is an entry in ClinVar:

ClinVar aggregate classification (germline): Conflicting classifications of pathogenicity. Review status: criteria provided, conflicting classifications (1 of 4 stars). 2 submissions from 2 submitters: Uncertain significance (1); Benign (1). Last evaluated 2025-07-30.

Conditions:
Dilated cardiomyopathy 1DD (CMD1DD). Identifiers: Orphanet 154, MedGen C2750995, MONDO:0013168, OMIM 613172.
Cardiovascular phenotype. Identifiers: MedGen CN230736.

Allele frequency attached by ClinVar (database versions not stated): gnomAD exomes below 0.00001; TOPMed 0.00002; gnomAD 0.00003.
gnomAD v4.1: 5 of 1,551,584 alleles (0.00032%); highest among the groups gnomAD compares: African/African-American, 0.0068%; no homozygotes.

Submissions (2):

Labcorp Genetics (formerly Invitae), Labcorp
Classification: Benign for Dilated cardiomyopathy 1DD. Last evaluated: 2025-07-30. Review status: criteria provided, single submitter. Criteria: Invitae Variant Classification Sherloc (09022015). Collection method: clinical testing. Allele origin: germline.

Ambry Genetics
Classification: Uncertain significance for Cardiovascular phenotype. Last evaluated: 2025-05-29. Review status: criteria provided, single submitter. Criteria: Ambry Variant Classification Scheme 2023. Collection method: clinical testing. Allele origin: germline.
Comment: The p.R794K variant (also known as c.2381G>A), located in coding exon 9 of the RBM20 gene, results from a G to A substitution at nucleotide position 2381. The arginine at codon 794 is replaced by lysine, an amino acid with highly similar properties. This variant was reported in individual(s) with dilated cardiomyopathy (van der Meulen MH et al. Circ Genom Precis Med, 2022 Oct;15:e002981). This amino acid position is well conserved in available vertebrate species. In addition, this alteration is predicted to be tolerated by in silico analysis. Based on the available evidence, the clinical significance of this variant remains unclear.

Literature cited by the submitters: PubMed 36178741 (cited by Ambry Genetics).

NM_001134363.3(RBM20):c.2381G>A (p.Arg794Lys)

Gene: RBM20 (RNA binding motif protein 20; plus strand). Cytogenetic location: 10q25.2.
Variant type: single nucleotide variant.
Coding change: c.2381G>A on transcript NM_001134363.3 (MANE Select); coding-DNA position 2381, G replaced by A.
Protein change: p.Arg794Lys; replaces arginine 794 with lysine.
Molecular consequence: missense variant.
Genome position (GRCh38, 1-based): chr10:110,812,778, G>A. VCF-style: chr10-110812778-G-A. GRCh37 (hg19) VCF-style: chr10-112572536-G-A.
Other names: short protein forms R794K.
Identifiers: ClinVar variation 1790452 (VCV001790452.8), dbSNP rs893252924, ClinGen allele CA213224295.